The following is an entry in ClinVar:

ClinVar aggregate classification (germline): Pathogenic (1 of 4 stars; one submission).

Allele frequency attached by ClinVar (database versions not stated): gnomAD exomes below 0.00001.

Submission:

Labcorp Genetics (formerly Invitae), Labcorp
Classification: Pathogenic. Last evaluated: 2024-02-22. Review status: criteria provided, single submitter. Criteria: Invitae Variant Classification Sherloc (09022015). Collection method: clinical testing. Allele origin: germline.
Comment: This sequence change creates a premature translational stop signal (p.Pro338Leufs*6) in the SLC26A4 gene. It is expected to result in an absent or disrupted protein product. Loss-of-function variants in SLC26A4 are known to be pathogenic (PMID: 16283880, 25394566, 26252218, 26445815). This variant is not present in population databases (gnomAD no frequency). This variant has not been reported in the literature in individuals affected with SLC26A4-related conditions. ClinVar contains an entry for this variant (Variation ID: 1440317). For these reasons, this variant has been classified as Pathogenic.

Literature cited by the submitters: PubMed 16283880; PubMed 25394566; PubMed 26252218; PubMed 26445815.

NM_000441.2(SLC26A4):c.1011del (p.Pro338fs)

Gene: SLC26A4 (solute carrier family 26 member 4; plus strand). Cytogenetic location: 7q22.3.
Variant type: Deletion.
Coding change: c.1011del on transcript NM_000441.2 (MANE Select); coding-DNA position 1011, one base deleted (T; older notation c.1011delT).
Protein change: p.Pro338fs; shifts the reading frame from proline 338.
Molecular consequence: frameshift variant.
Genome position (GRCh38, 1-based): chr7:107,689,062, T deleted. VCF-style (leftmost placement, unchanged base first): chr7-107689061-CT-C. GRCh37 (hg19) VCF-style: chr7-107329506-CT-C.
Other names: short protein forms P338fs.
Identifiers: ClinVar variation 1440317 (VCV001440317.6), dbSNP rs2129315787, ClinGen allele CA2573141441.